The following is an entry in ClinVar:

ClinVar aggregate classification (germline): Likely pathogenic (1 of 4 stars; one submission).

Submission:

Labcorp Genetics (formerly Invitae), Labcorp
Classification: Likely pathogenic. Last evaluated: 2022-02-04. Review status: criteria provided, single submitter. Criteria: Invitae Variant Classification Sherloc (09022015). Collection method: clinical testing. Allele origin: germline.
Comment: This sequence change affects an acceptor splice site in intron 62 of the VPS13A gene. It is expected to disrupt RNA splicing. Variants that disrupt the donor or acceptor splice site typically lead to a loss of protein function (PMID: 16199547), and loss-of-function variants in VPS13A are known to be pathogenic (PMID: 12404112, 21598378). In summary, the currently available evidence indicates that the variant is pathogenic, but additional data are needed to prove that conclusively. Therefore, this variant has been classified as Likely Pathogenic. Algorithms developed to predict the effect of sequence changes on RNA splicing suggest that this variant may disrupt the consensus splice site. ClinVar contains an entry for this variant (Variation ID: 941232). This variant has not been reported in the literature in individuals affected with VPS13A-related conditions. This variant is not present in population databases (gnomAD no frequency).

Literature cited by the submitters: PubMed 16199547; PubMed 12404112; PubMed 21598378.

NM_033305.3(VPS13A):c.8554-1G>C

Gene: VPS13A (vacuolar protein sorting 13 homolog A; plus strand). Cytogenetic location: 9q21.2.
Variant type: single nucleotide variant.
Coding change: c.8554-1G>C on transcript NM_033305.3 (MANE Select); the canonical splice acceptor site of the intron before coding-DNA position 8554, G replaced by C.
Molecular consequence: splice acceptor variant.
Genome position (GRCh38, 1-based): chr9:77,369,298, G>C. VCF-style: chr9-77369298-G-C. GRCh37 (hg19) VCF-style: chr9-79984214-G-C.
Other names: c.8437-1G>C (NM_001018037.2); c.8554-1G>C (NM_015186.4, NM_001018038.3).
Identifiers: ClinVar variation 941232 (VCV000941232.8), dbSNP rs1832615773, ClinGen allele CA373865676.